The following is an entry in ClinVar:

ClinVar aggregate classification (germline): Uncertain significance (1 of 4 stars; one submission).

Conditions:
Spermatogenic failure 18. Identifiers: MedGen C4539783, MONDO:0054615, OMIM 617576.
Ciliary dyskinesia, primary, 37 (CILD37). Also called: CILIARY DYSKINESIA, PRIMARY, 37, WITH OR WITHOUT SITUS INVERSUS. Identifiers: MedGen C4539798, MONDO:0033204, OMIM 617577.

Submission:

Labcorp Genetics (formerly Invitae), Labcorp
Classification: Uncertain significance for Ciliary dyskinesia, primary, 37; Spermatogenic failure 18. Last evaluated: 2019-07-15. Review status: criteria provided, single submitter. Criteria: Invitae Variant Classification Sherloc (09022015). Collection method: clinical testing. Allele origin: germline.
Comment: This variant is not present in population databases (ExAC no frequency). In summary, the available evidence is currently insufficient to determine the role of this variant in disease. Therefore, it has been classified as a Variant of Uncertain Significance. Algorithms developed to predict the effect of missense changes on protein structure and function (SIFT, PolyPhen-2, Align-GVGD) all suggest that this variant is likely to be tolerated, but these predictions have not been confirmed by published functional studies and their clinical significance is uncertain. This variant has not been reported in the literature in individuals with DNAH1-related disease. This sequence change replaces arginine with serine at codon 1831 of the DNAH1 protein (p.Arg1831Ser). The arginine residue is weakly conserved and there is a moderate physicochemical difference between arginine and serine.

NM_015512.5(DNAH1):c.5493G>T (p.Arg1831Ser)

Gene: DNAH1 (dynein axonemal heavy chain 1; plus strand). Cytogenetic location: 3p21.1.
Variant type: single nucleotide variant.
Coding change: c.5493G>T on transcript NM_015512.5 (MANE Select); coding-DNA position 5493, G replaced by T.
Protein change: p.Arg1831Ser; replaces arginine 1831 with serine.
Molecular consequence: missense variant.
Genome position (GRCh38, 1-based): chr3:52,364,994, G>T. VCF-style: chr3-52364994-G-T. GRCh37 (hg19) VCF-style: chr3-52399010-G-T.
Other names: short protein forms R1831S.
Identifiers: ClinVar variation 651476 (VCV000651476.8), dbSNP rs1294029143, ClinGen allele CA353145012.